The following is an entry in ClinVar:

NM_005228.5(EGFR):c.2102A>C (p.Gln701Pro)

Gene: EGFR (epidermal growth factor receptor; plus strand). Cytogenetic location: 7p11.2.
Variant type: single nucleotide variant.
Coding change: c.2102A>C on transcript NM_005228.5 (MANE Select); coding-DNA position 2102, A replaced by C.
Protein change: p.Gln701Pro; replaces glutamine 701 with proline.
Molecular consequence: missense variant.
Genome position (GRCh38, 1-based): chr7:55,173,961, A>C. VCF-style: chr7-55173961-A-C. GRCh37 (hg19) VCF-style: chr7-55241654-A-C.
Other names: c.1967A>C, p.Gln656Pro (NM_001346897.2, NM_001346899.2); c.2102A>C, p.Gln701Pro (NM_001346898.2); c.1943A>C, p.Gln648Pro (NM_001346900.2); c.1301A>C, p.Gln434Pro (NM_001346941.2); short protein forms Q701P, Q648P, Q656P, Q434P.
Identifiers: ClinVar variation 3660073 (VCV003660073.3).

ClinVar aggregate classification (germline): Uncertain significance. Review status: criteria provided, multiple submitters, no conflicts (2 of 4 stars). 2 submissions from 2 submitters: Uncertain significance (2). Last evaluated 2026-08-20.

Conditions:
EGFR-related lung cancer (EGFR). Identifiers: MedGen CN130014.
Hereditary cancer-predisposing syndrome. Also called: Tumor predisposition; Hereditary neoplastic syndrome; Hereditary Cancer Syndrome; Neoplastic Syndromes, Hereditary. Identifiers: Orphanet 140162, MedGen C0027672, MeSH D009386, MONDO:0015356.

Submissions (2):

Ambry Genetics
Classification: Uncertain significance for Hereditary cancer-predisposing syndrome. Last evaluated: 2026-08-20. Review status: criteria provided, single submitter. Criteria: Ambry Variant Classification Scheme 2023. Collection method: clinical testing. Allele origin: germline.
Comment: The p.Q701P variant (also known as c.2102A>C), located in coding exon 18 of the EGFR gene, results from an A to C substitution at nucleotide position 2102. The glutamine at codon 701 is replaced by proline, an amino acid with similar properties. This amino acid position is conserved. In addition, this alteration is predicted to be deleterious by in silico analysis. Based on the available evidence, the clinical significance of this variant remains unclear.

Labcorp Genetics (formerly Invitae), Labcorp
Classification: Uncertain significance for EGFR-related lung cancer. Last evaluated: 2024-07-21. Review status: criteria provided, single submitter. Criteria: Invitae Variant Classification Sherloc (09022015). Collection method: clinical testing. Allele origin: germline.
Comment: This sequence change replaces glutamine, which is neutral and polar, with proline, which is neutral and non-polar, at codon 701 of the EGFR protein (p.Gln701Pro). This variant is not present in population databases (gnomAD no frequency). This variant has not been reported in the literature in individuals affected with EGFR-related conditions. Advanced modeling of protein sequence and biophysical properties (such as structural, functional, and spatial information, amino acid conservation, physicochemical variation, residue mobility, and thermodynamic stability) performed at Invitae indicates that this missense variant is not expected to disrupt EGFR protein function with a negative predictive value of 80%. In summary, the available evidence is currently insufficient to determine the role of this variant in disease. Therefore, it has been classified as a Variant of Uncertain Significance.